The following is an entry in ClinVar:

ClinVar aggregate classification (germline): Uncertain significance. Review status: criteria provided, multiple submitters, no conflicts (2 of 4 stars). 2 submissions from 2 submitters: Uncertain significance (2). Last evaluated 2020-08-03.

Conditions:
Hereditary cancer-predisposing syndrome. Also called: Hereditary neoplastic syndrome; Hereditary Cancer Syndrome; Neoplastic Syndromes, Hereditary; Tumor predisposition. Identifiers: Orphanet 140162, MedGen C0027672, MeSH D009386, MONDO:0015356.
Familial adenomatous polyposis 2. Also called: MYH-associated polyposis; COLORECTAL ADENOMATOUS POLYPOSIS, AUTOSOMAL RECESSIVE; ADENOMAS, MULTIPLE COLORECTAL, AUTOSOMAL RECESSIVE; MUTYH-related attenuated familial adenomatous polyposis; Adenomas, multiple colorectal; FAP type 2. Identifiers: Orphanet 220460, Orphanet 247798, MedGen C3272841, MONDO:0012041, OMIM 608456.

Submissions (2):

Labcorp Genetics (formerly Invitae), Labcorp
Classification: Uncertain significance for Familial adenomatous polyposis 2. Last evaluated: 2020-08-03. Review status: criteria provided, single submitter. Criteria: Invitae Variant Classification Sherloc (09022015). Collection method: clinical testing. Allele origin: germline.
Comment: In summary, the available evidence is currently insufficient to determine the role of this variant in disease. Therefore, it has been classified as a Variant of Uncertain Significance. Algorithms developed to predict the effect of missense changes on protein structure and function are either unavailable or do not agree on the potential impact of this missense change (SIFT: "Deleterious"; PolyPhen-2: "Probably Damaging"; Align-GVGD: "Class C15"). This variant has not been reported in the literature in individuals with MUTYH-related conditions. ClinVar contains an entry for this variant (Variation ID: 485895). This variant is not present in population databases (ExAC no frequency). This sequence change replaces tyrosine with cysteine at codon 453 of the MUTYH protein (p.Tyr453Cys). The tyrosine residue is highly conserved and there is a large physicochemical difference between tyrosine and cysteine.

Ambry Genetics
Classification: Uncertain significance for Hereditary cancer-predisposing syndrome. Last evaluated: 2016-05-04. Review status: criteria provided, single submitter. Criteria: Ambry Variant Classification Scheme 2023. Collection method: clinical testing. Allele origin: germline.
Comment: The p.Y453C variant (also known as c.1358A>G), located in coding exon 14 of the MUTYH gene, results from an A to G substitution at nucleotide position 1358. The tyrosine at codon 453 is replaced by cysteine, an amino acid with highly dissimilar properties. This variant was not reported in population based cohorts in the following databases: Database of Single Nucleotide Polymorphisms (dbSNP), NHLBI Exome Sequencing Project (ESP), and 1000 Genomes Project. In the ESP, this variant was not observed in 6503 samples (13006 alleles) with coverage at this position. To date, this alteration has been detected with an allele frequency of approximately 0.001% (greater than 140000 alleles tested) in our clinical cohort. This amino acid position is highly conserved in available vertebrate species. In addition, this alteration is predicted to be deleterious by in silico analysis. Since supporting evidence is limited at this time, the clinical significance of this alteration remains unclear.

NM_001048174.2(MUTYH):c.1274A>G (p.Tyr425Cys)

Gene: MUTYH (mutY DNA glycosylase; minus strand). Cytogenetic location: 1p34.1.
Variant type: single nucleotide variant.
Coding change: c.1274A>G on transcript NM_001048174.2 (MANE Select); coding-DNA position 1274, A replaced by G.
Protein change: p.Tyr425Cys; replaces tyrosine 425 with cysteine.
Molecular consequence: missense variant. On other transcripts: non-coding transcript variant (2).
Genome position (GRCh38, 1-based): chr1:45,331,300, T>C on the plus strand (A>G on the coding strand, the complement: MUTYH is on the minus strand). VCF-style: chr1-45331300-T-C. GRCh37 (hg19) VCF-style: chr1-45796972-T-C.
Other names: c.1274A>G, p.Tyr425Cys (NM_001048171.2, NM_001048173.2, NM_001293195.2); c.1277A>G, p.Tyr426Cys (NM_001048172.2); c.1358A>G, p.Tyr453Cys (NM_001128425.2); c.1319A>G, p.Tyr440Cys (NM_001293190.2); c.1307A>G, p.Tyr436Cys (NM_001293191.2); c.998A>G, p.Tyr333Cys (NM_001293192.2, NM_001293196.2); c.929A>G, p.Tyr310Cys (NM_001350650.2, NM_001350651.2); c.1349A>G, p.Tyr450Cys (NM_012222.3); short protein forms Y453C, Y436C, Y440C, Y450C, Y310C, Y425C, Y426C, Y333C.
Identifiers: ClinVar variation 485895 (VCV000485895.14), dbSNP rs1553125235, ClinGen allele CA340132738.